The following is an entry in ClinVar:

ClinVar aggregate classification (germline): Uncertain significance (1 of 4 stars; one submission).

Conditions:
Cardiovascular phenotype. Identifiers: MedGen CN230736.

Submission:

Ambry Genetics
Classification: Uncertain significance for Cardiovascular phenotype. Last evaluated: 2026-09-11. Review status: criteria provided, single submitter. Criteria: Ambry Variant Classification Scheme 2023. Collection method: clinical testing. Allele origin: germline.
Comment: The p.V643A variant (also known as c.1928T>C), located in coding exon 14 of the APOB gene, results from a T to C substitution at nucleotide position 1928. The valine at codon 643 is replaced by alanine, an amino acid with similar properties. This amino acid position is conserved. In addition, this alteration is predicted to be tolerated by in silico analysis. Based on the available evidence, the clinical significance of this variant remains unclear.

NM_000384.3(APOB):c.1928T>C (p.Val643Ala)

Gene: APOB (apolipoprotein B; minus strand). Cytogenetic location: 2p24.1.
Variant type: single nucleotide variant.
Coding change: c.1928T>C on transcript NM_000384.3 (MANE Select); coding-DNA position 1928, T replaced by C.
Protein change: p.Val643Ala; replaces valine 643 with alanine.
Molecular consequence: missense variant.
Genome position (GRCh38, 1-based): chr2:21,027,967, A>G on the plus strand (T>C on the coding strand, the complement: APOB is on the minus strand). VCF-style: chr2-21027967-A-G. GRCh37 (hg19) VCF-style: chr2-21250839-A-G.
Other names: short protein forms V643A.
Identifiers: ClinVar variation 4125652 (VCV004125652.2).